The following is an entry in ClinVar:

NM_004304.5(ALK):c.2914+4G>A

Gene: ALK (ALK receptor tyrosine kinase; minus strand). Cytogenetic location: 2p23.2.
Variant type: single nucleotide variant.
Coding change: c.2914+4G>A on transcript NM_004304.5 (MANE Select); 4 bases into the intron after coding-DNA position 2914, G replaced by A.
Molecular consequence: intron variant.
Genome position (GRCh38, 1-based): chr2:29,227,570, C>T on the plus strand (G>A on the coding strand, the complement: ALK is on the minus strand). VCF-style: chr2-29227570-C-T. GRCh37 (hg19) VCF-style: chr2-29450436-C-T.
Identifiers: ClinVar variation 651989 (VCV000651989.11), dbSNP rs1573132557, ClinGen allele CA915943771.

ClinVar aggregate classification (germline): Uncertain significance. Review status: criteria provided, multiple submitters, no conflicts (2 of 4 stars). 2 submissions from 2 submitters: Uncertain significance (2). Last evaluated 2025-12-04.

Conditions:
Hereditary cancer-predisposing syndrome. Also called: Hereditary Cancer Syndrome; Tumor predisposition; Neoplastic Syndromes, Hereditary; Hereditary neoplastic syndrome. Identifiers: Orphanet 140162, MedGen C0027672, MeSH D009386, MONDO:0015356.
Neuroblastoma, susceptibility to, 3. Also called: ALK-Related Neuroblastic Tumor Susceptibility. Identifiers: Orphanet 635, MedGen C2751681, MONDO:0013083, OMIM 613014.

Submissions (2):

Ambry Genetics
Classification: Uncertain significance for Hereditary cancer-predisposing syndrome. Last evaluated: 2025-12-04. Review status: criteria provided, single submitter. Criteria: Ambry Variant Classification Scheme 2023. Collection method: clinical testing. Allele origin: germline.
Comment: The c.2914+4G>A intronic variant results from a G to A substitution 4 nucleotides after coding exon 17 in the ALK gene. This nucleotide position is poorly conserved in available vertebrate species. In silico splice site analysis predicts that this alteration will not have any significant effect on splicing. Based on the available evidence, the clinical significance of this variant remains unclear.

Labcorp Genetics (formerly Invitae), Labcorp
Classification: Uncertain significance for Neuroblastoma, susceptibility to, 3. Last evaluated: 2019-11-22. Review status: criteria provided, single submitter. Criteria: Invitae Variant Classification Sherloc (09022015). Collection method: clinical testing. Allele origin: germline.
Comment: In summary, the available evidence is currently insufficient to determine the role of this variant in disease. Therefore, it has been classified as a Variant of Uncertain Significance. Nucleotide substitutions within the consensus splice site are a relatively common cause of aberrant splicing (PMID: 17576681, 9536098). Algorithms developed to predict the effect of sequence changes on RNA splicing suggest that this variant may create or strengthen a splice site, but this prediction has not been confirmed by published transcriptional studies. This variant has not been reported in the literature in individuals with ALK-related disease. This variant is not present in population databases (ExAC no frequency). This sequence change falls in intron 17 of the ALK gene. It does not directly change the encoded amino acid sequence of the ALK protein, but it affects a nucleotide within the consensus splice site of the intron.

Literature cited by the submitters: PubMed 17576681 (cited by Labcorp Genetics (formerly Invitae), Labcorp); PubMed 9536098 (cited by Labcorp Genetics (formerly Invitae), Labcorp).